The following is an entry in ClinVar:

ClinVar aggregate classification (germline): Uncertain significance (1 of 4 stars; one submission).

Conditions:
Hereditary spastic paraplegia 4. Also called: Spastic Paraplegia 4; Familial spastic paraplegia autosomal dominant 2; Spastic paraplegia 4, autosomal dominant. Identifiers: Orphanet 100985, MedGen C1866855, MONDO:0008438, OMIM 182601.

Submission:

Labcorp Genetics (formerly Invitae), Labcorp
Classification: Uncertain significance for Hereditary spastic paraplegia 4. Last evaluated: 2024-05-28. Review status: criteria provided, single submitter. Criteria: Invitae Variant Classification Sherloc (09022015). Collection method: clinical testing. Allele origin: germline.
Comment: This sequence change replaces proline, which is neutral and non-polar, with threonine, which is neutral and polar, at codon 27 of the SPAST protein (p.Pro27Thr). This variant is present in population databases (no rsID available, gnomAD 0.007%). This variant has not been reported in the literature in individuals affected with SPAST-related conditions. Advanced modeling of protein sequence and biophysical properties (such as structural, functional, and spatial information, amino acid conservation, physicochemical variation, residue mobility, and thermodynamic stability) performed at Invitae indicates that this missense variant is not expected to disrupt SPAST protein function with a negative predictive value of 95%. In summary, the available evidence is currently insufficient to determine the role of this variant in disease. Therefore, it has been classified as a Variant of Uncertain Significance.

NM_014946.4(SPAST):c.79C>A (p.Pro27Thr)

Gene: SPAST (spastin; plus strand). Cytogenetic location: 2p22.3.
Variant type: single nucleotide variant.
Coding change: c.79C>A on transcript NM_014946.4 (MANE Select); coding-DNA position 79, C replaced by A.
Protein change: p.Pro27Thr; replaces proline 27 with threonine.
Molecular consequence: missense variant.
Genome position (GRCh38, 1-based): chr2:32,063,910, C>A. VCF-style: chr2-32063910-C-A. GRCh37 (hg19) VCF-style: chr2-32288979-C-A.
Other names: c.79C>A, p.Pro27Thr (NM_001363823.2, NM_001363875.2, NM_001377959.1 and 1 more transcripts); short protein forms P27T.
Identifiers: ClinVar variation 3706989 (VCV003706989.2).
Genomic context (GRCh38, chr2:32,063,910, plus strand): 5'-CGAGGGAAGAAGAAAGGCTCCGGCGGCGCCAGCAACCCGGTGCCTCCCAGGCCTCCGCCC[C>A]CTTGCCTGGCCCCCGCCCCTCCCGCCGCCGGGCCGGCCCCTCCGCCCGAGTCGCCGCATA-3'
Protein context (NP_055761.2, residues 17-37): SNPVPPRPPP[Pro27Thr]CLAPAPPAAG